The following is an entry in ClinVar:

ClinVar aggregate classification (germline): Uncertain significance. Review status: criteria provided, multiple submitters, no conflicts (2 of 4 stars). 2 submissions from 2 submitters: Uncertain significance (2). Last evaluated 2025-08-26.

Conditions:
Inborn genetic diseases. Identifiers: MedGen C0950123, MeSH D030342.
Congenital insensitivity to pain-hypohidrosis syndrome. Also called: HSAN VIII; Neuropathy, hereditary sensory and autonomic, type VIII. Identifiers: Orphanet 478664, MedGen C4225308, MONDO:0014662, OMIM 616488.

gnomAD v4.1: 68 of 1,224,228 alleles (0.0056%); highest among the groups gnomAD compares: Middle Eastern, 0.062%; no homozygotes.

Submissions (2):

Ambry Genetics
Classification: Uncertain significance for Inborn genetic diseases. Last evaluated: 2025-08-26. Review status: criteria provided, single submitter. Criteria: Ambry Variant Classification Scheme 2023. Collection method: clinical testing. Allele origin: germline.

Labcorp Genetics (formerly Invitae), Labcorp
Classification: Uncertain significance for Congenital insensitivity to pain-hypohidrosis syndrome. Last evaluated: 2024-02-20. Review status: criteria provided, single submitter. Criteria: Invitae Variant Classification Sherloc (09022015). Collection method: clinical testing. Allele origin: germline.
Comment: This sequence change replaces alanine, which is neutral and non-polar, with valine, which is neutral and non-polar, at codon 332 of the PRDM12 protein (p.Ala332Val). This variant is present in population databases (no rsID available, gnomAD no frequency). This variant has not been reported in the literature in individuals affected with PRDM12-related conditions. ClinVar contains an entry for this variant (Variation ID: 577727). Experimental studies and prediction algorithms are not available or were not evaluated, and the functional significance of this variant is currently unknown. Algorithms developed to predict the effect of sequence changes on RNA splicing suggest that this variant may create or strengthen a splice site. In summary, the available evidence is currently insufficient to determine the role of this variant in disease. Therefore, it has been classified as a Variant of Uncertain Significance.

NM_021619.3(PRDM12):c.995C>T (p.Ala332Val)

Gene: PRDM12 (PR/SET domain 12; plus strand). Cytogenetic location: 9q34.12.
Variant type: single nucleotide variant.
Coding change: c.995C>T on transcript NM_021619.3 (MANE Select); coding-DNA position 995, C replaced by T.
Protein change: p.Ala332Val; replaces alanine 332 with valine.
Molecular consequence: missense variant.
Genome position (GRCh38, 1-based): chr9:130,681,560, C>T. VCF-style: chr9-130681560-C-T. GRCh37 (hg19) VCF-style: chr9-133556947-C-T.
Other names: short protein forms A332V.
Identifiers: ClinVar variation 577727 (VCV000577727.6), dbSNP rs773010364, ClinGen allele CA200624803.